The following is an entry in ClinVar:

NM_020134.4(DPYSL5):c.887C>T (p.Thr296Met)

Gene: DPYSL5 (dihydropyrimidinase like 5; plus strand). Cytogenetic location: 2p23.3.
Variant type: single nucleotide variant.
Coding change: c.887C>T on transcript NM_020134.4 (MANE Select); coding-DNA position 887, C replaced by T.
Protein change: p.Thr296Met; replaces threonine 296 with methionine.
Molecular consequence: missense variant.
Genome position (GRCh38, 1-based): chr2:26,934,674, C>T. VCF-style: chr2-26934674-C-T. GRCh37 (hg19) VCF-style: chr2-27157542-C-T.
Other names: c.887C>T, p.Thr296Met (NM_001253723.2, NM_001253724.2); short protein forms T296M.
Identifiers: ClinVar variation 2650754 (VCV002650754.24), dbSNP rs151073506, ClinGen allele CA1566287.

ClinVar aggregate classification (germline): Likely benign (1 of 4 stars; one submission).

Allele frequency attached by ClinVar (database versions not stated): ExAC 0.00209; 1000 Genomes Project 30x 0.00250; TOPMed 0.00347; ESP Exome Variant Server 0.00254; 1000 Genomes Project 0.00260; gnomAD 0.00289; gnomAD exomes 0.00337.
gnomAD v4.1: 5,348 of 1,614,162 alleles (0.33%); highest among the groups gnomAD compares: Admixed American, 0.66%; 14 homozygotes.

Submission:

CeGaT Center for Human Genetics Tuebingen
Classification: Likely benign. Last evaluated: 2026-05-01. Review status: criteria provided, single submitter. Criteria: CeGaT Center For Human Genetics Tuebingen Variant Classification Criteria Version 2. Collection method: clinical testing. Allele origin: germline. Affected: yes. Observed: 5 variant alleles.
Comment: DPYSL5: BS2